The following is an entry in ClinVar:

NM_153033.5(KCTD7):c.274G>A (p.Glu92Lys)

Gene: KCTD7 (potassium channel tetramerization domain containing 7; plus strand). Cytogenetic location: 7q11.21.
Variant type: single nucleotide variant.
Coding change: c.274G>A on transcript NM_153033.5 (MANE Select); coding-DNA position 274, G replaced by A.
Protein change: p.Glu92Lys; replaces glutamic acid 92 with lysine.
Molecular consequence: missense variant.
Genome position (GRCh38, 1-based): chr7:66,633,404, G>A. VCF-style: chr7-66633404-G-A. GRCh37 (hg19) VCF-style: chr7-66098391-G-A.
Other names: c.274G>A (NM_153033.4); c.274G>A, p.Glu92Lys (NM_001167961.2); short protein forms E92K.
Identifiers: ClinVar variation 1388792 (VCV001388792.5), dbSNP rs780710316, ClinGen allele CA4278216.
Genomic context (GRCh38, chr7:66,633,404, plus strand): 5'-TACGAAGACACCATGTTGGCAGCCATGTTCAGTGGGCGGCACTACATCCCCACGGACTCC[G>A]AGGGCCGGTACTTCATCGACCGAGATGGCACACACTTTGGGTATGTCTCTCCCTCTACAA-3'
Protein context (NP_694578.1, residues 82-102): SGRHYIPTDS[Glu92Lys]GRYFIDRDGT

ClinVar aggregate classification (germline): Uncertain significance. Review status: criteria provided, multiple submitters, no conflicts (2 of 4 stars). 2 submissions from 2 submitters: Uncertain significance (2). Last evaluated 2023-09-14.

Conditions:
Inborn genetic diseases. Identifiers: MedGen C0950123, MeSH D030342.
Progressive myoclonic epilepsy type 3. Also called: EPILEPSY, PROGRESSIVE MYOCLONIC, 3, WITH OR WITHOUT INTRACELLULAR INCLUSIONS; CEROID LIPOFUSCINOSIS, NEURONAL, 14; EPILEPSY, PROGRESSIVE MYOCLONIC, 3, WITHOUT INTRACELLULAR INCLUSIONS; KCTD7-Related Progressive Myoclonic Epilepsy. Identifiers: Orphanet 263516, MedGen C2673257, MONDO:0012721, OMIM 611726.

Allele frequency attached by ClinVar (database versions not stated): TOPMed below 0.00001; gnomAD exomes 0.00001; ExAC 0.00002.
gnomAD v4.1: 8 of 1,614,062 alleles (0.0005%); highest among the groups gnomAD compares: South Asian, 0.0044%; no homozygotes.

Submissions (2):

Ambry Genetics
Classification: Uncertain significance for Inborn genetic diseases. Last evaluated: 2023-09-14. Review status: criteria provided, single submitter. Criteria: Ambry Variant Classification Scheme 2023. Collection method: clinical testing. Allele origin: germline.

Labcorp Genetics (formerly Invitae), Labcorp
Classification: Uncertain significance for Progressive myoclonic epilepsy type 3. Last evaluated: 2022-06-27. Review status: criteria provided, single submitter. Criteria: Invitae Variant Classification Sherloc (09022015). Collection method: clinical testing. Allele origin: germline.
Comment: This sequence change replaces glutamic acid, which is acidic and polar, with lysine, which is basic and polar, at codon 92 of the KCTD7 protein (p.Glu92Lys). This variant is present in population databases (rs780710316, gnomAD 0.003%). This variant has not been reported in the literature in individuals affected with KCTD7-related conditions. Algorithms developed to predict the effect of missense changes on protein structure and function are either unavailable or do not agree on the potential impact of this missense change (SIFT: "Deleterious"; PolyPhen-2: "Benign"; Align-GVGD: "Class C15"). In summary, the available evidence is currently insufficient to determine the role of this variant in disease. Therefore, it has been classified as a Variant of Uncertain Significance.